The following is an entry in ClinVar:

NM_012203.2(GRHPR):c.211G>A (p.Ala71Thr)

Gene: GRHPR (glyoxylate and hydroxypyruvate reductase; plus strand). Cytogenetic location: 9p13.2.
Variant type: single nucleotide variant.
Coding change: c.211G>A on transcript NM_012203.2 (MANE Select); coding-DNA position 211, G replaced by A.
Protein change: p.Ala71Thr; replaces alanine 71 with threonine.
Molecular consequence: missense variant.
Genome position (GRCh38, 1-based): chr9:37,424,972, G>A. VCF-style: chr9-37424972-G-A. GRCh37 (hg19) VCF-style: chr9-37424969-G-A.
Other names: short protein forms A71T.
Identifiers: ClinVar variation 2664426 (VCV002664426.1), dbSNP rs2489232500, ClinGen allele CA373441741.

ClinVar aggregate classification (germline): Uncertain significance (1 of 4 stars; one submission).

Conditions:
Primary hyperoxaluria, type II (HP2). Also called: OXALOSIS II; Primary hyperoxaluria type 2; D-GLYCERATE DEHYDROGENASE DEFICIENCY; GLYCERIC ACIDURIA; GLYOXYLATE REDUCTASE/HYDROXYPYRUVATE REDUCTASE DEFICIENCY. Identifiers: Orphanet 416, Orphanet 93599, MedGen C0268165, MONDO:0009824, OMIM 260000. Disease mechanism: loss of function.

Submission:

Clinical Biochemistry Laboratory, Health Services Laboratory
Classification: Uncertain significance for Primary hyperoxaluria, type II. Last evaluated: 2023-10-27. Review status: criteria provided, single submitter. Criteria: ACMG Guidelines, 2015. Collection method: curation. Allele origin: germline. Affected: yes.
Comment: ACMG:PM1 PM2 PM3 PP3

Literature cited by the submitters: PubMed 31215412.